The following is an entry in ClinVar:

ClinVar aggregate classification (germline): Benign (1 of 4 stars; one submission).

Conditions:
Hyperglycinuria. Also called: GLYCINURIA WITH OR WITHOUT OXALATE NEPHROLITHIASIS; GLYCINURIA WITH OR WITHOUT OXALATE UROLITHIASIS; IMINOGLYCINURIA TYPE II. Identifiers: MedGen C0543541, MONDO:0007677, OMIM 138500, HP:0003108.

Allele frequency attached by ClinVar (database versions not stated): gnomAD 0.01798 and 0.01936; 1000 Genomes Project 0.01857; 1000 Genomes Project 30x 0.01905; TOPMed 0.02129.

Submission:

Illumina Laboratory Services, Illumina
Classification: Benign for Hyperglycinuria. Last evaluated: 2018-01-12. Review status: criteria provided, single submitter. Criteria: ICSL Variant Classification Criteria 13 December 2019. Collection method: clinical testing. Allele origin: germline.
Comment: This variant was observed in the ICSL laboratory as part of a predisposition screen in an ostensibly healthy population. It had not been previously curated by ICSL or reported in the Human Gene Mutation Database (HGMD: prior to June 1st, 2018), and was therefore a candidate for classification through an automated scoring system. Utilizing variant allele frequency, disease prevalence and penetrance estimates, and inheritance mode, an automated score was calculated to assess if this variant is too frequent to cause the disease. Based on the score and internal cut-off values, a variant classified as benign is not then subjected to further curation. The score for this variant resulted in a classification of benign for this disease.

NM_020208.4(SLC6A20):c.*3118A>G

Gene: SLC6A20 (solute carrier family 6 member 20; minus strand). Cytogenetic location: 3p21.31.
Variant type: single nucleotide variant.
Coding change: c.*3118A>G on transcript NM_020208.4 (MANE Select); 3118 bases downstream of the stop codon, A replaced by G.
Molecular consequence: 3 prime UTR variant.
Genome position (GRCh38, 1-based): chr3:45,755,860, T>C on the plus strand (A>G on the coding strand, the complement: SLC6A20 is on the minus strand). VCF-style: chr3-45755860-T-C. GRCh37 (hg19) VCF-style: chr3-45797352-T-C.
Other names: c.*3118A>G (NM_022405.4).
Identifiers: ClinVar variation 345347 (VCV000345347.5), dbSNP rs116082988, ClinGen allele CA10618856.